The following is an entry in ClinVar:

NM_015215.4(CAMTA1):c.959G>A (p.Gly320Asp)

Gene: CAMTA1 (calmodulin binding transcription activator 1; plus strand). Cytogenetic location: 1p36.23.
Variant type: single nucleotide variant.
Coding change: c.959G>A on transcript NM_015215.4 (MANE Select); coding-DNA position 959, G replaced by A.
Protein change: p.Gly320Asp; replaces glycine 320 with aspartic acid.
Molecular consequence: missense variant.
Genome position (GRCh38, 1-based): chr1:7,663,506, G>A. VCF-style: chr1-7663506-G-A. GRCh37 (hg19) VCF-style: chr1-7723566-G-A.
Other names: c.869G>A, p.Gly290Asp (NM_001349608.2, NM_001349612.2); c.959G>A, p.Gly320Asp (NM_001349609.2, NM_001349610.2, NM_001410737.1); c.887G>A, p.Gly296Asp (NM_001410738.1); short protein forms G290D, G296D, G320D.
Identifiers: ClinVar variation 2626959 (VCV002626959.1), dbSNP rs2095979025, ClinGen allele CA338122308.

ClinVar aggregate classification (germline): Uncertain significance (1 of 4 stars; one submission).

Allele frequency attached by ClinVar (database versions not stated): TOPMed below 0.00001.
gnomAD v4.1: 1 of 1,601,196 alleles (0.000062%); highest among the groups gnomAD compares: African/African-American, 0.0013%; no homozygotes.

Submission:

Greenwood Genetic Center Diagnostic Laboratories, Greenwood Genetic Center
Classification: Uncertain significance. Last evaluated: 2023-09-20. Review status: criteria provided, single submitter. Criteria: ACMG Guidelines, 2015. Collection method: clinical testing. Allele origin: germline. Affected: yes.
Comment: PM2